The following is an entry in ClinVar:

NM_006182.4(DDR2):c.82+6A>G

Gene: DDR2 (discoidin domain receptor tyrosine kinase 2; plus strand). Cytogenetic location: 1q23.3.
Variant type: single nucleotide variant.
Coding change: c.82+6A>G on transcript NM_006182.4 (MANE Select); 6 bases into the intron after coding-DNA position 82, A replaced by G.
Molecular consequence: intron variant.
Genome position (GRCh38, 1-based): chr1:162,719,151, A>G. VCF-style: chr1-162719151-A-G. GRCh37 (hg19) VCF-style: chr1-162688941-A-G.
Other names: c.82+6A>G (NM_001354983.2, NM_001354982.2, NM_001014796.3).
Identifiers: ClinVar variation 4736842 (VCV004736842.1).
Genomic context (GRCh38, chr1:162,719,151, plus strand): 5'-GTGCTGTTCCTGCTGCTGCCTATCTTGAGTTCTGCAAAAGCTCAGGTTAATCCAGGTAAC[A>G]TGGCTATTACTCAGCTATATGCTAGAAGACCAGCAGAATGTTTAAACCCATCAATGTTCA-3'

ClinVar aggregate classification (germline): Uncertain significance (1 of 4 stars; one submission).

gnomAD v4.1: 20 of 1,613,672 alleles (0.0012%); highest among the groups gnomAD compares: Non-Finnish European, 0.0016%; no homozygotes.

Submission:

Labcorp Genetics (formerly Invitae), Labcorp
Classification: Uncertain significance. Last evaluated: 2025-05-30. Review status: criteria provided, single submitter. Criteria: Invitae Variant Classification Sherloc (09022015). Collection method: clinical testing. Allele origin: germline.
Comment: This sequence change falls in intron 3 of the DDR2 gene. It does not directly change the encoded amino acid sequence of the DDR2 protein. It affects a nucleotide within the consensus splice site. This variant is present in population databases (rs760817442, gnomAD 0.002%). This variant has not been reported in the literature in individuals affected with DDR2-related conditions. Variants that disrupt the consensus splice site are a relatively common cause of aberrant splicing (PMID: 17576681, 9536098). Algorithms developed to predict the effect of sequence changes on RNA splicing suggest that this variant is not likely to affect RNA splicing. In summary, the available evidence is currently insufficient to determine the role of this variant in disease. Therefore, it has been classified as a Variant of Uncertain Significance.

Literature cited by the submitters: PubMed 17576681; PubMed 9536098.